The following is an entry in ClinVar:

NM_170784.3(MKKS):c.1260T>C (p.Tyr420=)

Gene: MKKS (MKKS centrosomal shuttling protein; minus strand). Cytogenetic location: 20p12.2.
Variant type: single nucleotide variant.
Coding change: c.1260T>C on transcript NM_170784.3 (MANE Select); coding-DNA position 1260, T replaced by C.
Protein change: p.Tyr420=; no amino-acid change (tyrosine 420 retained).
Molecular consequence: synonymous variant. On other transcripts: non-coding transcript variant (1).
Genome position (GRCh38, 1-based): chr20:10,407,628, A>G on the plus strand (T>C on the coding strand, the complement: MKKS is on the minus strand). VCF-style: chr20-10407628-A-G. GRCh37 (hg19) VCF-style: chr20-10388276-A-G.
Other names: c.1260T>C, p.Tyr420= (NM_018848.3).
Identifiers: ClinVar variation 2927495 (VCV002927495.4), dbSNP rs2514488977, ClinGen allele CA509660099.
Genomic context (GRCh38, chr20:10,407,628, plus strand): 5'-AAAAGTTGCTGAGAATTCAGGTAATCCGAAGAGGATTATCTTACATACCTTGTGTCTGAT[A>G]TATGCAGCCAAATGAGTTTCAGTACAGCCACCTCCCAACAAAGCCCATGGTTCCTTGAGT-3'
Protein context (NP_740754.1, residues 410-430): GGCTETHLAA[Tyr420=]IRHKTHNDPE

ClinVar aggregate classification (germline): Likely benign. Review status: criteria provided, multiple submitters, no conflicts (2 of 4 stars). 2 submissions from 2 submitters: Likely benign (2). Last evaluated 2025-01-12.

Conditions:
Bardet-Biedl syndrome (BBS). Identifiers: Orphanet 110, MedGen C0752166, MONDO:0015229.
McKusick-Kaufman syndrome (MKKS). Also called: HYDROMETROCOLPOS SYNDROME; HYDROMETROCOLPOS, POSTAXIAL POLYDACTYLY, AND CONGENITAL HEART MALFORMATION. Identifiers: Orphanet 2473, MedGen C0948368, MONDO:0009367, OMIM 236700.
MKKS-related disorder. Also called: MKKS-related condition; MKKS-related disorders.

Submissions (2):

PreventionGenetics, part of Exact Sciences
Classification: Likely benign for MKKS-related condition. Last evaluated: 2025-01-12. Review status: criteria provided, single submitter. Criteria: ACMG Guidelines, 2015. Collection method: clinical testing. Allele origin: germline.
Comment: This variant is classified as likely benign based on ACMG/AMP sequence variant interpretation guidelines (Richards et al. 2015 PMID: 25741868, with internal and published modifications).

Labcorp Genetics (formerly Invitae), Labcorp
Classification: Likely benign for McKusick-Kaufman syndrome; Bardet-Biedl syndrome. Last evaluated: 2024-09-30. Review status: criteria provided, single submitter. Criteria: Invitae Variant Classification Sherloc (09022015). Collection method: clinical testing. Allele origin: germline.